The following is an entry in ClinVar:

NM_000387.6(SLC25A20):c.418-3C>A

Gene: SLC25A20 (solute carrier family 25 member 20; minus strand). Cytogenetic location: 3p21.31.
Variant type: single nucleotide variant.
Coding change: c.418-3C>A on transcript NM_000387.6 (MANE Select); 3 bases into the intron before coding-DNA position 418, C replaced by A.
Molecular consequence: intron variant.
Genome position (GRCh38, 1-based): chr3:48,862,662, G>T on the plus strand (C>A on the coding strand, the complement: SLC25A20 is on the minus strand). VCF-style: chr3-48862662-G-T. GRCh37 (hg19) VCF-style: chr3-48900095-G-T.
Identifiers: ClinVar variation 1432710 (VCV001432710.3), dbSNP rs200732067, ClinGen allele CA73982631.

ClinVar aggregate classification (germline): Uncertain significance (1 of 4 stars; one submission).

Conditions:
Carnitine acylcarnitine translocase deficiency (CACTD). Identifiers: Orphanet 159, MedGen C0342791, MONDO:0008918, OMIM 212138.

Allele frequency attached by ClinVar (database versions not stated): TOPMed below 0.00001.
gnomAD v4.1: 3 of 1,591,138 alleles (0.00019%); highest among the groups gnomAD compares: South Asian, 0.0011%; no homozygotes.

Submission:

Labcorp Genetics (formerly Invitae), Labcorp
Classification: Uncertain significance for Carnitine acylcarnitine translocase deficiency. Last evaluated: 2022-07-19. Review status: criteria provided, single submitter. Criteria: Invitae Variant Classification Sherloc (09022015). Collection method: clinical testing. Allele origin: germline.
Comment: This sequence change falls in intron 4 of the SLC25A20 gene. It does not directly change the encoded amino acid sequence of the SLC25A20 protein. It affects a nucleotide within the consensus splice site. This variant is not present in population databases (gnomAD no frequency). This variant has not been reported in the literature in individuals affected with SLC25A20-related conditions. ClinVar contains an entry for this variant (Variation ID: 1432710). Variants that disrupt the consensus splice site are a relatively common cause of aberrant splicing (PMID: 17576681, 9536098). Algorithms developed to predict the effect of sequence changes on RNA splicing suggest that this variant may create or strengthen a splice site. In summary, the available evidence is currently insufficient to determine the role of this variant in disease. Therefore, it has been classified as a Variant of Uncertain Significance.

Literature cited by the submitters: PubMed 17576681; PubMed 9536098.